The following is an entry in ClinVar:

ClinVar aggregate classification (germline): Pathogenic/Likely pathogenic. Review status: criteria provided, multiple submitters, no conflicts (2 of 4 stars). 3 submissions from 3 submitters: Pathogenic (1); Likely pathogenic (2). Last evaluated 2025-12-06.

Conditions:
Glycogen storage disease, type V (GSD5). Also called: MYOPHOSPHORYLASE DEFICIENCY; PYGM DEFICIENCY; McArdle type glycogen storage disease; MCARDLE DISEASE; MUSCLE GLYCOGEN PHOSPHORYLASE DEFICIENCY. Identifiers: Orphanet 368, MedGen C0017924, MONDO:0009293, OMIM 232600.

Submissions (3):

Labcorp Genetics (formerly Invitae), Labcorp
Classification: Pathogenic for Glycogen storage disease, type V. Last evaluated: 2025-12-06. Review status: criteria provided, single submitter. Criteria: Invitae Variant Classification Sherloc (09022015). Collection method: clinical testing. Allele origin: germline.
Comment: This sequence change creates a premature translational stop signal (p.Val788Alafs*14) in the PYGM gene. While this is not anticipated to result in nonsense mediated decay, it is expected to disrupt the last 55 amino acid(s) of the PYGM protein. This variant is present in population databases (no rsID available, gnomAD 0.006%). This variant has not been reported in the literature in individuals affected with PYGM-related conditions. ClinVar contains an entry for this variant (Variation ID: 1074725). This variant disrupts a region of the PYGM protein in which other variant(s) (p.Glu797Valfs*18) have been determined to be pathogenic (PMID: 17630210, 17994553, 19251976, 19472443, 21802952, 22250184). This suggests that this is a clinically significant region of the protein, and that variants that disrupt it are likely to be disease-causing. For these reasons, this variant has been classified as Pathogenic.

Fulgent Genetics
Classification: Likely pathogenic for Glycogen storage disease, type V. Last evaluated: 2024-05-06. Review status: criteria provided, single submitter. Criteria: ACMG Guidelines, 2015. Collection method: clinical testing. Allele origin: germline.

Baylor Genetics
Classification: Likely pathogenic for Glycogen storage disease, type V. Last evaluated: 2023-07-05. Review status: criteria provided, single submitter. Criteria: ACMG Guidelines, 2015. Collection method: clinical testing. Allele origin: unknown.

Literature cited by the submitters: PubMed 17630210 (cited by Labcorp Genetics (formerly Invitae), Labcorp); PubMed 17994553 (cited by Labcorp Genetics (formerly Invitae), Labcorp); PubMed 19251976 (cited by Labcorp Genetics (formerly Invitae), Labcorp); PubMed 19472443 (cited by Labcorp Genetics (formerly Invitae), Labcorp); PubMed 21802952 (cited by Labcorp Genetics (formerly Invitae), Labcorp); PubMed 22250184 (cited by Labcorp Genetics (formerly Invitae), Labcorp).

NM_005609.4(PYGM):c.2363_2366del (p.Val788fs)

Gene: PYGM (glycogen phosphorylase, muscle associated; minus strand). Cytogenetic location: 11q13.1.
Variant type: Deletion.
Coding change: c.2363_2366del on transcript NM_005609.4 (MANE Select); coding-DNA positions 2363 to 2366, 4 bases deleted (TCAG; older notation c.2363_2366delTCAG).
Protein change: p.Val788fs; shifts the reading frame from valine 788.
Molecular consequence: frameshift variant.
Genome position (GRCh38, 1-based): chr11:64,746,934-64,746,937, CTGA deleted on the plus strand (TCAG on the coding strand, the reverse complement: PYGM is on the minus strand); deleting any 4 consecutive bases within chr11:64,746,934-64,746,939 gives the same sequence; the c. name uses the placement nearest the transcript's 3' end. VCF-style (leftmost placement, unchanged base first): chr11-64746933-GCTGA-G. GRCh37 (hg19) VCF-style: chr11-64514405-GCTGA-G.
Other names: c.2099_2102del, p.Val700fs (NM_001164716.1); short protein forms V700fs, V788fs.
Identifiers: ClinVar variation 1074725 (VCV001074725.11), dbSNP rs1565531128, ClinGen allele CA599803542.
Genomic context (GRCh38, chr11:64,746,933, plus strand): 5'-AACCAGGGCCACCAAAGCCCTGCCAACCCCTGGCCCAGGACCCCTCACCTTGTACAAGGC[GCTGA>G]CTTTCTCCTGGCATTTAATGTAGTCTTCATAATCTGCGAAGACTTTAAACCTGGAGGGGA-3'